The following is an entry in ClinVar:

NM_003709.4(KLF7):c.323C>T (p.Thr108Ile)

Gene: KLF7 (KLF transcription factor 7; minus strand). Cytogenetic location: 2q33.3.
Variant type: single nucleotide variant.
Coding change: c.323C>T on transcript NM_003709.4 (MANE Select); coding-DNA position 323, C replaced by T.
Protein change: p.Thr108Ile; replaces threonine 108 with isoleucine.
Molecular consequence: missense variant.
Genome position (GRCh38, 1-based): chr2:207,124,184, G>A on the plus strand (C>T on the coding strand, the complement: KLF7 is on the minus strand). VCF-style: chr2-207124184-G-A. GRCh37 (hg19) VCF-style: chr2-207988908-G-A.
Other names: c.323C>T, p.Thr108Ile (NM_001270942.1); c.224C>T, p.Thr75Ile (NM_001270943.2); c.239C>T, p.Thr80Ile (NM_001270944.2); short protein forms T108I, T75I, T80I.
Identifiers: ClinVar variation 3766380 (VCV003766380.1).

ClinVar aggregate classification (germline): Uncertain significance (1 of 4 stars; one submission).

Submission:

GeneDx
Classification: Uncertain significance. Last evaluated: 2024-08-26. Review status: criteria provided, single submitter. Criteria: GeneDx Variant Classification Process June 2021. Collection method: clinical testing. Allele origin: germline. Affected: yes.
Comment: Not observed at significant frequency in large population cohorts (gnomAD); In silico analysis supports that this missense variant has a deleterious effect on protein structure/function; Has not been previously published as pathogenic or benign to our knowledge